The following is an entry in ClinVar:

NM_020297.4(ABCC9):c.2816G>A (p.Arg939Gln)

Gene: ABCC9 (ATP binding cassette subfamily C member 9; minus strand). Cytogenetic location: 12p12.1.
Variant type: single nucleotide variant.
Coding change: c.2816G>A on transcript NM_020297.4 (MANE Select); coding-DNA position 2816, G replaced by A.
Protein change: p.Arg939Gln; replaces arginine 939 with glutamine.
Molecular consequence: missense variant.
Genome position (GRCh38, 1-based): chr12:21,848,200, C>T on the plus strand (G>A on the coding strand, the complement: ABCC9 is on the minus strand). VCF-style: chr12-21848200-C-T. GRCh37 (hg19) VCF-style: chr12-22001134-C-T.
Other names: c.2816G>A, p.Arg939Gln (NM_001377273.1, NM_005691.4); c.1949G>A, p.Arg650Gln (NM_001377274.1); short protein forms R939Q, R650Q.
Identifiers: ClinVar variation 2127874 (VCV002127874.4), dbSNP rs748770166, ClinGen allele CA6481272.

ClinVar aggregate classification (germline): Uncertain significance (1 of 4 stars; one submission).

Conditions:
Dilated cardiomyopathy 1O (CMD1O). Also called: CARDIOMYOPATHY, DILATED, WITH VENTRICULAR TACHYCARDIA. Identifiers: Orphanet 154, MedGen C1837839, MONDO:0012062, OMIM 608569.

Allele frequency attached by ClinVar (database versions not stated): gnomAD exomes below 0.00001; TOPMed 0.00001; gnomAD 0.00001; ExAC 0.00002.
gnomAD v4.1: 6 of 1,613,450 alleles (0.00037%); highest among the groups gnomAD compares: African/African-American, 0.0013%; no homozygotes.

Submission:

Labcorp Genetics (formerly Invitae), Labcorp
Classification: Uncertain significance for Dilated cardiomyopathy 1O. Last evaluated: 2025-06-22. Review status: criteria provided, single submitter. Criteria: Invitae Variant Classification Sherloc (09022015). Collection method: clinical testing. Allele origin: germline.
Comment: This sequence change replaces arginine, which is basic and polar, with glutamine, which is neutral and polar, at codon 939 of the ABCC9 protein (p.Arg939Gln). This variant is present in population databases (rs748770166, gnomAD 0.003%). This variant has not been reported in the literature in individuals affected with ABCC9-related conditions. ClinVar contains an entry for this variant (Variation ID: 2127874). Invitae Evidence Modeling of protein sequence and biophysical properties (such as structural, functional, and spatial information, amino acid conservation, physicochemical variation, residue mobility, and thermodynamic stability) indicates that this missense variant is expected to disrupt ABCC9 protein function with a positive predictive value of 95%. In summary, the available evidence is currently insufficient to determine the role of this variant in disease. Therefore, it has been classified as a Variant of Uncertain Significance.